The following is an entry in ClinVar:

ClinVar aggregate classification (germline): Benign (1 of 4 stars; one submission).

Allele frequency attached by ClinVar (database versions not stated): gnomAD 0.08893 and 0.09143; TOPMed 0.09839; 1000 Genomes Project 0.12280; 1000 Genomes Project 30x 0.13210.
gnomAD v4.1: 13,432 of 152,294 alleles (8.8%); highest among the groups gnomAD compares: African/African-American, 28%; 1,739 homozygotes.

Submission:

GeneDx
Classification: Benign. Last evaluated: 2018-06-19. Review status: criteria provided, single submitter. Criteria: GeneDx Variant Classification (06012015). Collection method: clinical testing. Allele origin: germline. Affected: yes.
Comment: This variant is considered likely benign or benign based on one or more of the following criteria: it is a conservative change, it occurs at a poorly conserved position in the protein, it is predicted to be benign by multiple in silico algorithms, and/or has population frequency not consistent with disease.

NM_001848.3(COL6A1):c.1119+209A>G

Gene: COL6A1 (collagen type VI alpha 1 chain; plus strand). Cytogenetic location: 21q22.3.
Variant type: single nucleotide variant.
Coding change: c.1119+209A>G on transcript NM_001848.3 (MANE Select); 209 bases into the intron after coding-DNA position 1119, A replaced by G.
Molecular consequence: intron variant.
Genome position (GRCh38, 1-based): chr21:45,991,250, A>G. VCF-style: chr21-45991250-A-G. GRCh37 (hg19) VCF-style: chr21-47411164-A-G.
Identifiers: ClinVar variation 679938 (VCV000679938.1), dbSNP rs111557860, ClinGen allele CA16595186.